The following is an entry in ClinVar:

ClinVar aggregate classification (germline): Uncertain significance (1 of 4 stars; one submission).

Conditions:
Inborn genetic diseases. Identifiers: MedGen C0950123, MeSH D030342.

Submission:

Ambry Genetics
Classification: Uncertain significance for Inborn genetic diseases. Last evaluated: 2024-09-30. Review status: criteria provided, single submitter. Criteria: Ambry Variant Classification Scheme 2023. Collection method: clinical testing. Allele origin: germline.
Comment: The p.S625R variant (also known as c.1875C>G), located in coding exon 12 of the EPAS1 gene, results from a C to G substitution at nucleotide position 1875. The serine at codon 625 is replaced by arginine, an amino acid with dissimilar properties. This amino acid position is conserved. In addition, this alteration is predicted to be tolerated by in silico analysis. Based on the available evidence, the clinical significance of this variant remains unclear.

NM_001430.5(EPAS1):c.1875C>G (p.Ser625Arg)

Gene: EPAS1 (endothelial PAS domain protein 1; plus strand). Cytogenetic location: 2p21.
Variant type: single nucleotide variant.
Coding change: c.1875C>G on transcript NM_001430.5 (MANE Select); coding-DNA position 1875, C replaced by G.
Protein change: p.Ser625Arg; replaces serine 625 with arginine.
Molecular consequence: missense variant.
Genome position (GRCh38, 1-based): chr2:46,380,547, C>G. VCF-style: chr2-46380547-C-G. GRCh37 (hg19) VCF-style: chr2-46607686-C-G.
Other names: short protein forms S625R.
Identifiers: ClinVar variation 3508992 (VCV003508992.1).